The following is an entry in ClinVar:

NM_001040142.2(SCN2A):c.751G>T (p.Val251Phe)

Gene: SCN2A (sodium voltage-gated channel alpha subunit 2; plus strand). Cytogenetic location: 2q24.3.
Variant type: single nucleotide variant.
Coding change: c.751G>T on transcript NM_001040142.2 (MANE Select); coding-DNA position 751, G replaced by T.
Protein change: p.Val251Phe; replaces valine 251 with phenylalanine.
Molecular consequence: missense variant.
Genome position (GRCh38, 1-based): chr2:165,310,376, G>T. VCF-style: chr2-165310376-G-T. GRCh37 (hg19) VCF-style: chr2-166166886-G-T.
Other names: c.751G>T, p.Val251Phe (NM_001040143.2, NM_001371246.1, NM_001371247.1 and 1 more transcripts); short protein forms V251F.
Identifiers: ClinVar variation 2128939 (VCV002128939.4), dbSNP rs1057519528, ClinGen allele CA349017945.
Genomic context (GRCh38, chr2:165,310,376, plus strand): 5'-TTTGTAGGCCTGAAGACCATTGTGGGGGCCCTGATCCAGTCAGTGAAGAAGCTTTCTGAT[G>T]TCATGATCTTGACTGTGTTCTGTCTAAGCGTGTTTGCGCTAATAGGATTGCAGTTGTTCA-3'
Protein context (NP_001035232.1, residues 241-261): LIQSVKKLSD[Val251Phe]MILTVFCLSV

ClinVar aggregate classification (germline): Likely pathogenic (1 of 4 stars; one submission).

Conditions:
Seizures, benign familial infantile, 3 (BFIS3). Also called: Familial neonatal seizures; CONVULSIONS, BENIGN FAMILIAL INFANTILE, 3. Identifiers: Orphanet 140927, Orphanet 306, MedGen C1843140, MONDO:0011904, OMIM 607745.
Developmental and epileptic encephalopathy, 11 (DEE11). Also called: Early infantile epileptic encephalopathy 11. Identifiers: Orphanet 1934, MedGen C3150987, MONDO:0013388, OMIM 613721.

Submission:

Labcorp Genetics (formerly Invitae), Labcorp
Classification: Likely pathogenic for Seizures, benign familial infantile, 3; Developmental and epileptic encephalopathy, 11. Last evaluated: 2022-11-29. Review status: criteria provided, single submitter. Criteria: Invitae Variant Classification Sherloc (09022015). Collection method: clinical testing. Allele origin: germline.
Comment: In summary, the currently available evidence indicates that the variant is pathogenic, but additional data are needed to prove that conclusively. Therefore, this variant has been classified as Likely Pathogenic. This variant disrupts the p.Val251 amino acid residue in SCN2A. Other variant(s) that disrupt this residue have been determined to be pathogenic (PMID: 27864847, 28254201). This suggests that this residue is clinically significant, and that variants that disrupt this residue are likely to be disease-causing. Advanced modeling of protein sequence and biophysical properties (such as structural, functional, and spatial information, amino acid conservation, physicochemical variation, residue mobility, and thermodynamic stability) performed at Invitae indicates that this missense variant is expected to disrupt SCN2A protein function. This variant has not been reported in the literature in individuals affected with SCN2A-related conditions. This variant is not present in population databases (gnomAD no frequency). This sequence change replaces valine, which is neutral and non-polar, with phenylalanine, which is neutral and non-polar, at codon 251 of the SCN2A protein (p.Val251Phe).

Literature cited by the submitters: PubMed 27864847; PubMed 28254201.